The following is an entry in ClinVar:

ClinVar aggregate classification (germline): Uncertain significance. Review status: criteria provided, multiple submitters, no conflicts (2 of 4 stars). 4 submissions from 4 submitters: Uncertain significance (4). Last evaluated 2026-04-13.

Conditions:
COL4A3-related disorder. Also called: COL4A3-related condition; COL4A3-Related Disorders.
Autosomal dominant Alport syndrome (ATS3A). Also called: ALPORT SYNDROME 3A, AUTOSOMAL DOMINANT; Alport syndrome dominant type; Renal failure and sensorineural hearing loss. Identifiers: Orphanet 63, Orphanet 88918, MedGen C5882663, MONDO:0007086, OMIM 104200.
Autosomal recessive Alport syndrome (ATS2). Also called: Alport syndrome type 2; COL4A3-Related Nephropathy; ALPORT SYNDROME 2, AUTOSOMAL RECESSIVE; COL4A4 Alport Syndrome and Thin Basement Membrane Nephropathy. Identifiers: Orphanet 63, Orphanet 88919, MedGen C4746745, MONDO:0008762, OMIM 203780.
Benign familial hematuria. Also called: thin basement membrane disease. Identifiers: MedGen C0241908, MONDO:0957317.

Allele frequency attached by ClinVar (database versions not stated): gnomAD 0.00002; gnomAD exomes 0.00002 and 0.00004; TOPMed 0.00002; ExAC 0.00004.
gnomAD v4.1: 31 of 1,612,844 alleles (0.0019%); highest among the groups gnomAD compares: East Asian, 0.0089%; no homozygotes.

Submissions (4):

PreventionGenetics, part of Exact Sciences
Classification: Uncertain significance for COL4A3-related condition. Last evaluated: 2026-04-13. Review status: criteria provided, single submitter. Criteria: ACMG Guidelines, 2015. Collection method: clinical testing. Allele origin: germline.
Comment: The COL4A3 c.2054C>T variant is predicted to result in the amino acid substitution p.Pro685Leu. To our knowledge, this variant has not been reported in the literature. This variant is reported in 0.0062% of alleles in individuals of European (Non-Finnish) descent in gnomAD. At this time, the clinical significance of this variant is uncertain due to the absence of conclusive functional and genetic evidence.

Women's Health and Genetics/Laboratory Corporation of America, LabCorp
Classification: Uncertain significance. Last evaluated: 2024-08-12. Review status: criteria provided, single submitter. Criteria: LabCorp Variant Classification Summary - May 2015. Collection method: clinical testing. Allele origin: germline.
Comment: Variant summary: COL4A3 c.2054C>T (p.Pro685Leu) results in a non-conservative amino acid change in the encoded protein sequence. Four of five in-silico tools predict a damaging effect of the variant on protein function. The variant allele was found at a frequency of 3.6e-05 in 247854 control chromosomes. The available data on variant occurrences in the general population are insufficient to allow any conclusion about variant significance. c.2054C>T has been reported in the literature in individuals affected with hematuria, without strong evidence for causality (Wu_2024). These report(s) do not provide unequivocal conclusions about association of the variant with Alport Syndrome. To our knowledge, no experimental evidence demonstrating an impact on protein function has been reported. The following publication have been ascertained in the context of this evaluation (PMID: 38262496). ClinVar contains an entry for this variant (Variation ID: 1405877). Based on the evidence outlined above, the variant was classified as uncertain significance.

Labcorp Genetics (formerly Invitae), Labcorp
Classification: Uncertain significance. Last evaluated: 2021-11-19. Review status: criteria provided, single submitter. Criteria: Invitae Variant Classification Sherloc (09022015). Collection method: clinical testing. Allele origin: germline.
Comment: This sequence change replaces proline, which is neutral and non-polar, with leucine, which is neutral and non-polar, at codon 685 of the COL4A3 protein (p.Pro685Leu). This variant is present in population databases (rs759579342, gnomAD 0.006%). This variant has not been reported in the literature in individuals affected with COL4A3-related conditions. Advanced modeling of protein sequence and biophysical properties (such as structural, functional, and spatial information, amino acid conservation, physicochemical variation, residue mobility, and thermodynamic stability) performed at Invitae indicates that this missense variant is not expected to disrupt COL4A3 protein function. In summary, the available evidence is currently insufficient to determine the role of this variant in disease. Therefore, it has been classified as a Variant of Uncertain Significance.

Fulgent Genetics
Classification: Uncertain significance for Autosomal dominant Alport syndrome; Hematuria, benign familial, 1; Autosomal recessive Alport syndrome. Last evaluated: 2021-10-18. Review status: criteria provided, single submitter. Criteria: ACMG Guidelines, 2015. Collection method: clinical testing. Allele origin: unknown.

Literature cited by the submitters: PubMed 38262496 (cited by Women's Health and Genetics/Laboratory Corporation of America, LabCorp).

NM_000091.5(COL4A3):c.2054C>T (p.Pro685Leu)

Genes: COL4A3 (collagen type IV alpha 3 chain; plus strand), MFF-DT (MFF divergent transcript; minus strand). Cytogenetic location: 2q36.3.
Variant type: single nucleotide variant.
Coding change: c.2054C>T on transcript NM_000091.5 (MANE Select); coding-DNA position 2054, C replaced by T.
Protein change: p.Pro685Leu; replaces proline 685 with leucine.
Molecular consequence: missense variant.
Genome position (GRCh38, 1-based): chr2:227,277,482, C>T. VCF-style: chr2-227277482-C-T. GRCh37 (hg19) VCF-style: chr2-228142198-C-T.
Other names: c.2054C>T (NM_000091.4); short protein forms P685L.
Identifiers: ClinVar variation 1405877 (VCV001405877.6), dbSNP rs759579342, ClinGen allele CA2146844.
Genomic context (GRCh38, chr2:227,277,482, plus strand): 5'-AGATGCATATGTGTATTTGTTTCTAAGGTATCCCTGGATCCCTGGGGAAATGTGGAGATC[C>T]TGGTCTTCCAGGGCCTGATGGTGAACCAGGAATTCCAGGAATTGGATTTCCTGGGCCTCC-3'
Protein context (NP_000082.2, residues 675-695): IPGSLGKCGD[Pro685Leu]GLPGPDGEPG